The following is an entry in ClinVar:

NM_001048174.2(MUTYH):c.764_772del (p.Met255_Gly258delinsArg)

Gene: MUTYH (mutY DNA glycosylase; minus strand). Cytogenetic location: 1p34.1.
Variant type: Deletion.
Coding change: c.764_772del on transcript NM_001048174.2 (MANE Select); coding-DNA positions 764 to 772, 9 bases deleted (TGGAGCTAG; older notation c.764_772delTGGAGCTAG).
Protein change: p.Met255_Gly258delinsArg.
Molecular consequence: inframe indel. On other transcripts: non-coding transcript variant (2).
Genome position (GRCh38, 1-based): chr1:45,332,243-45,332,251, CTAGCTCCA deleted on the plus strand (TGGAGCTAG on the coding strand, the reverse complement: MUTYH is on the minus strand). VCF-style (leftmost placement, unchanged base first): chr1-45332242-CCTAGCTCCA-C. GRCh37 (hg19) VCF-style: chr1-45797914-CCTAGCTCCA-C.
Other names: c.764_772del, p.Met255_Gly258delinsArg (NM_001048171.2, NM_001048173.2, NM_001293195.2); c.767_775del, p.Met256_Gly259delinsArg (NM_001048172.2); c.848_856del, p.Met283_Gly286delinsArg (NM_001128425.2); c.809_817del, p.Met270_Gly273delinsArg (NM_001293190.2); c.797_805del, p.Met266_Gly269delinsArg (NM_001293191.2); c.488_496del, p.Met163_Gly166delinsArg (NM_001293192.2, NM_001293196.2); c.419_427del, p.Met140_Gly143delinsArg (NM_001350650.2, NM_001350651.2); c.839_847del, p.Met280_Gly283delinsArg (NM_012222.3).
Identifiers: ClinVar variation 1045946 (VCV001045946.7), dbSNP rs1645038575, ClinGen allele CA2473712630.

ClinVar aggregate classification (germline): Pathogenic (1 of 4 stars; one submission).

Conditions:
Familial adenomatous polyposis 2. Also called: Adenomas, multiple colorectal; MUTYH Polyposis; COLORECTAL ADENOMATOUS POLYPOSIS, AUTOSOMAL RECESSIVE; ADENOMAS, MULTIPLE COLORECTAL, AUTOSOMAL RECESSIVE; FAP type 2; MUTYH-associated polyposis. Identifiers: Orphanet 220460, Orphanet 247798, MedGen C3272841, MONDO:0012041, OMIM 608456.

Allele frequency attached by ClinVar (database versions not stated): TOPMed below 0.00001.

Submission:

Labcorp Genetics (formerly Invitae), Labcorp
Classification: Pathogenic for Familial adenomatous polyposis 2. Last evaluated: 2023-07-14. Review status: criteria provided, single submitter. Criteria: Invitae Variant Classification Sherloc (09022015). Collection method: clinical testing. Allele origin: germline.
Comment: For these reasons, this variant has been classified as Pathogenic. This variant disrupts a region of the MUTYH protein in which other variant(s) (p.Met283Val) have been determined to be pathogenic (PMID: 16941501, 18172263, 20848659, 23322991). This suggests that this is a clinically significant region of the protein, and that variants that disrupt it are likely to be disease-causing. ClinVar contains an entry for this variant (Variation ID: 1045946). This variant has not been reported in the literature in individuals affected with MUTYH-related conditions. This variant is not present in population databases (gnomAD no frequency). This variant, c.848_856del, results in the deletion of 4 amino acid(s) of the MUTYH protein (p.Met283_Gly286delinsArg), but otherwise preserves the integrity of the reading frame.

Literature cited by the submitters: PubMed 16941501; PubMed 18172263; PubMed 20848659; PubMed 23322991.